The following is an entry in ClinVar:

ClinVar aggregate classification (germline): Uncertain significance. Review status: criteria provided, multiple submitters, no conflicts (2 of 4 stars). 3 submissions from 3 submitters: Uncertain significance (3). Last evaluated 2024-11-04.

Conditions:
Hereditary cancer-predisposing syndrome. Also called: Tumor predisposition; Neoplastic Syndromes, Hereditary; Hereditary Cancer Syndrome; Hereditary neoplastic syndrome. Identifiers: Orphanet 140162, MedGen C0027672, MeSH D009386, MONDO:0015356.
Familial cancer of breast. Also called: BREAST CANCER, FAMILIAL; Hereditary breast cancer; hereditary breast carcinoma. Identifiers: Orphanet 227535, MedGen C0346153, MONDO:0016419, OMIM 114480. Disease mechanism: loss of function.
Fanconi anemia complementation group J. Also called: BRIP1-Related Fanconi Anemia. Identifiers: Orphanet 84, MedGen C1836860, MONDO:0012187, OMIM 609054.

Allele frequency attached by ClinVar (database versions not stated): gnomAD exomes below 0.00001 and 0.00001.
gnomAD v4.1: 1 of 1,607,794 alleles (0.000062%); highest among the groups gnomAD compares: East Asian, 0.0022%; no homozygotes.

Submissions (3):

Labcorp Genetics (formerly Invitae), Labcorp
Classification: Uncertain significance for Familial cancer of breast; Fanconi anemia complementation group J. Last evaluated: 2024-11-04. Review status: criteria provided, single submitter. Criteria: Invitae Variant Classification Sherloc (09022015). Collection method: clinical testing. Allele origin: germline.
Comment: This sequence change replaces serine, which is neutral and polar, with alanine, which is neutral and non-polar, at codon 601 of the BRIP1 protein (p.Ser601Ala). This variant is present in population databases (no rsID available, gnomAD 0.01%). This variant has not been reported in the literature in individuals affected with BRIP1-related conditions. ClinVar contains an entry for this variant (Variation ID: 619661). Invitae Evidence Modeling of protein sequence and biophysical properties (such as structural, functional, and spatial information, amino acid conservation, physicochemical variation, residue mobility, and thermodynamic stability) has been performed for this missense variant. However, the output from this modeling did not meet the statistical confidence thresholds required to predict the impact of this variant on BRIP1 protein function. In summary, the available evidence is currently insufficient to determine the role of this variant in disease. Therefore, it has been classified as a Variant of Uncertain Significance.

Ambry Genetics
Classification: Uncertain significance for Hereditary cancer-predisposing syndrome. Last evaluated: 2018-11-07. Review status: criteria provided, single submitter. Criteria: Ambry Variant Classification Scheme 2023. Collection method: clinical testing. Allele origin: germline.
Comment: The p.S601A variant (also known as c.1801T>G), located in coding exon 12 of the BRIP1 gene, results from a T to G substitution at nucleotide position 1801. The serine at codon 601 is replaced by alanine, an amino acid with similar properties. This amino acid position is well conserved in available vertebrate species. In addition, this alteration is predicted to be tolerated by in silico analysis. Since supporting evidence is limited at this time, the clinical significance of this alteration remains unclear.

Quest Diagnostics Nichols Institute San Juan Capistrano
Classification: Uncertain significance. Last evaluated: 2018-08-06. Review status: criteria provided, single submitter. Criteria: Quest Diagnostics criteria. Collection method: clinical testing. Allele origin: germline.

NM_032043.3(BRIP1):c.1801T>G (p.Ser601Ala)

Gene: BRIP1 (BRCA1 interacting DNA helicase 1; minus strand). Cytogenetic location: 17q23.2.
Variant type: single nucleotide variant.
Coding change: c.1801T>G on transcript NM_032043.3 (MANE Select); coding-DNA position 1801, T replaced by G.
Protein change: p.Ser601Ala; replaces serine 601 with alanine.
Molecular consequence: missense variant.
Genome position (GRCh38, 1-based): chr17:61,780,395, A>C on the plus strand (T>G on the coding strand, the complement: BRIP1 is on the minus strand). VCF-style: chr17-61780395-A-C. GRCh37 (hg19) VCF-style: chr17-59857756-A-C.
Other names: short protein forms S601A.
Identifiers: ClinVar variation 619661 (VCV000619661.11), dbSNP rs1317946589, ClinGen allele CA400480222.